The following is an entry in ClinVar:

NM_004999.4(MYO6):c.1173_1175del (p.Thr392del)

Gene: MYO6 (myosin VI; plus strand). Cytogenetic location: 6q14.1.
Variant type: Deletion.
Coding change: c.1173_1175del on transcript NM_004999.4 (MANE Select); coding-DNA positions 1173 to 1175, 3 bases deleted (CAC; older notation c.1173_1175delCAC).
Protein change: p.Thr392del; deletes threonine 392.
Molecular consequence: non-coding transcript variant (on NR_160538.1).
Genome position (GRCh38, 1-based): chr6:75,855,233-75,855,235, CAC deleted; deleting any 3 consecutive bases within chr6:75,855,231-75,855,235 gives the same sequence; the c. name uses the placement nearest the transcript's 3' end. VCF-style (leftmost placement, unchanged base first): chr6-75855230-GACC-G. GRCh37 (hg19) VCF-style: chr6-76564947-GACC-G.
Other names: c.1173_1175del, p.Thr392del (NM_001368865.1, NM_001368866.1, NM_001300899.2 and 2 more transcripts); c.1158_1160del, p.Thr387del (NM_001368138.1); short protein forms T387del, T392del.
Identifiers: ClinVar variation 3722073 (VCV003722073.2).

ClinVar aggregate classification (germline): Uncertain significance (1 of 4 stars; one submission).

Submission:

Labcorp Genetics (formerly Invitae), Labcorp
Classification: Uncertain significance. Last evaluated: 2024-11-04. Review status: criteria provided, single submitter. Criteria: Invitae Variant Classification Sherloc (09022015). Collection method: clinical testing. Allele origin: germline.
Comment: This variant, c.1173_1175del, results in the deletion of 1 amino acid(s) of the MYO6 protein (p.Thr392del), but otherwise preserves the integrity of the reading frame. This variant is not present in population databases (gnomAD no frequency). This variant has not been reported in the literature in individuals affected with MYO6-related conditions. Experimental studies and prediction algorithms are not available or were not evaluated, and the functional significance of this variant is currently unknown. In summary, the available evidence is currently insufficient to determine the role of this variant in disease. Therefore, it has been classified as a Variant of Uncertain Significance.